The following is an entry in ClinVar:

NM_000038.6(APC):c.2438A>G (p.Asn813Ser)

Gene: APC (APC regulator of Wnt signaling pathway; plus strand). Cytogenetic location: 5q22.2.
Variant type: single nucleotide variant.
Coding change: c.2438A>G on transcript NM_000038.6 (MANE Select); coding-DNA position 2438, A replaced by G.
Protein change: p.Asn813Ser; replaces asparagine 813 with serine.
Molecular consequence: missense variant.
Genome position (GRCh38, 1-based): chr5:112,838,032, A>G. VCF-style: chr5-112838032-A-G. GRCh37 (hg19) VCF-style: chr5-112173729-A-G.
Other names: c.2438A>G (LRG_130t1); c.2438A>G, p.Asn813Ser (NM_001127510.3, NM_001354895.2); c.2384A>G, p.Asn795Ser (NM_001127511.3); c.2492A>G, p.Asn831Ser (NM_001354896.2); c.2468A>G, p.Asn823Ser (NM_001354897.2); c.2363A>G, p.Asn788Ser (NM_001354898.2); c.2354A>G, p.Asn785Ser (NM_001354899.2); c.2315A>G, p.Asn772Ser (NM_001354900.2); and 6 more; short protein forms N813S, N795S, N530S, N788S, N831S, N687S, N754S, N712S.
Identifiers: ClinVar variation 41499 (VCV000041499.35), dbSNP rs201522866, ClinGen allele CA007470.

ClinVar aggregate classification (germline): Conflicting classifications of pathogenicity. Review status: criteria provided, conflicting classifications (1 of 4 stars). 12 submissions from 12 submitters: Uncertain significance (3); Likely benign (8). 1 of the submissions does not count toward it. Last evaluated 2026-03-27.

Conditions:
APC-related disorder. Also called: APC-related condition.
Hereditary cancer-predisposing syndrome. Also called: Hereditary neoplastic syndrome; Tumor predisposition; Hereditary Cancer Syndrome; Neoplastic Syndromes, Hereditary. Identifiers: Orphanet 140162, MedGen C0027672, MeSH D009386, MONDO:0015356.
Familial adenomatous polyposis 1 (FAP1). Also called: FAMILIAL ADENOMATOUS POLYPOSIS 1, ATTENUATED; POLYPOSIS, ADENOMATOUS INTESTINAL. Identifiers: MedGen C2713442, MONDO:0021056, OMIM 175100. Disease mechanism: loss of function.
Desmoid disease, hereditary (DESMD). Also called: FIBROMATOSIS, FAMILIAL INFILTRATIVE. Identifiers: Orphanet 873, MedGen C1851124, OMIM 135290. Disease mechanism: loss of function.

Allele frequency attached by ClinVar (database versions not stated): TOPMed 0.00003; gnomAD 0.00005 and 0.00007; gnomAD exomes 0.00005; ExAC 0.00006; ESP Exome Variant Server 0.00015.
gnomAD v4.1: 91 of 1,614,048 alleles (0.0056%); highest among the groups gnomAD compares: Middle Eastern, 0.049%; no homozygotes.

Submissions (12):

Women's Health and Genetics/Laboratory Corporation of America, LabCorp
Classification: Likely benign. Last evaluated: 2026-03-27. Review status: criteria provided, single submitter. Criteria: LabCorp Variant Classification Summary - May 2015. Collection method: clinical testing. Allele origin: germline.
Comment: Variant summary: APC c.2438A>G (p.Asn813Ser) results in a conservative amino acid change in the encoded protein sequence. Algorithms developed to predict the effect of missense changes on protein structure and function all suggest that this variant is likely to be tolerated. The variant allele was found at a frequency of 5.5e-05 in 1608196 control chromosomes, predominantly at a frequency of 0.00029 within the South Asian subpopulation in the gnomAD database. The observed variant frequency within South Asian control individuals in the gnomAD database exceeds the estimated maximal expected allele frequency for disease-causing variants in APC. The variant, c.2438A>G, has been observed in individuals affected with colorectal cancer and other tumor phenotypes, but was also found in unaffected controls (e.g. Yurgelun_2017, Erdem_2020, Chaffee_2018, Okawa_2022). These reports do not provide unequivocal conclusions about association of the variant with Familial Adenomatous Polyposis. A functional study indicated that the variant did not affect downstream targets in the WNT pathway and therefore suggest this variant does not affect APC protein function (Worm_2004). The following publications have been ascertained in the context of this evaluation (PMID: 28726808, 32283892, 22703879, 27647783, 15133491, 28135145, 36243179). ClinVar contains an entry for this variant (Variation ID: 41499). Based on the evidence outlined above, the variant was classified as likely benign.

Labcorp Genetics (formerly Invitae), Labcorp
Classification: Likely benign for Familial adenomatous polyposis 1. Last evaluated: 2026-01-27. Review status: criteria provided, single submitter. Criteria: Invitae Variant Classification Sherloc (09022015). Collection method: clinical testing. Allele origin: germline.

PreventionGenetics, part of Exact Sciences
Classification: Likely benign for APC-related condition. Last evaluated: 2025-07-23. Review status: criteria provided, single submitter. Criteria: ACMG Guidelines, 2015. Collection method: clinical testing. Allele origin: germline.
Comment: This variant is classified as likely benign based on ACMG/AMP sequence variant interpretation guidelines (Richards et al. 2015 PMID: 25741868, with internal and published modifications).

Center for Genomic Medicine, Rigshospitalet, Copenhagen University Hospital
Classification: Likely benign. Last evaluated: 2025-03-04. Review status: criteria provided, single submitter. Criteria: ACMG Guidelines, 2015. Collection method: clinical testing. Allele origin: germline.

Color Diagnostics, LLC DBA Color Health
Classification: Likely benign for Hereditary cancer-predisposing syndrome. Last evaluated: 2024-09-17. Review status: criteria provided, single submitter. Criteria: ACMG Guidelines, 2015. Collection method: clinical testing. Allele origin: germline.

Department of Pathology and Laboratory Medicine, Sinai Health System
Classification: Likely benign for Familial adenomatous polyposis 1; Desmoid disease, hereditary. Last evaluated: 2024-04-24. Review status: criteria provided, single submitter. Criteria: ACMG Guidelines, 2015. Collection method: clinical testing. Allele origin: germline. Affected: yes.

Quest Diagnostics Nichols Institute San Juan Capistrano
Classification: Likely benign. Last evaluated: 2023-03-10. Review status: criteria provided, single submitter. Criteria: Quest Diagnostics criteria. Collection method: clinical testing. Allele origin: unknown.

ARUP Laboratories, Molecular Genetics and Genomics, ARUP Laboratories
Classification: Uncertain significance. Last evaluated: 2022-01-06. Review status: criteria provided, single submitter. Criteria: ARUP Molecular Germline Variant Investigation Process 2021. Collection method: clinical testing. Allele origin: germline.
Comment: The APC c.2438A>G; p.Asn813Ser variant (rs201522866) is reported in the literature in individuals with colorectal or pancreatic cancer (Chaffee 2018, Erdem 2020, Yurgelun 2017), and is reported in ClinVar (Variation ID: 41499). This variant is found in the general population with an overall allele frequency of 0.005% (15/282270 alleles) in the Genome Aggregation Database. The asparagine at codon 813 is moderately conserved, but computational analyses predict that this variant is tolerated (REVEL: 0.13). The vast majority of pathogenic APC variants are truncating nonsense or frameshift variants (see InSiGHt, Kerr 2013). However, based on available information, the clinical significance of this variant is uncertain at this time. References: Link to InSiGHt. Chaffee KG et al. Prevalence of germ-line mutations in cancer genes among pancreatic cancer patients with a positive family history. Genet Med. 2018 Jan;20(1):119-127. PMID: 28726808. Erdem HB et al. Spectrum of germline cancer susceptibility gene mutations in Turkish colorectal cancer patients: a single center study. Turk J Med Sci. 2020 Jun 23;50(4):1015-1021. PMID: 32283892. Kerr SE et al. APC germline mutations in individuals being evaluated for familial adenomatous polyposis: a review of the Mayo Clinic experience with 1591 consecutive tests. J Mol Diagn. 2013 Jan;15(1):31-43. Yurgelun MB et al. Cancer Susceptibility Gene Mutations in Individuals With Colorectal Cancer. J Clin Oncol. 2017 Apr 1;35(10):1086-1095. PMID: 28135145

Sema4
Classification: Uncertain significance for Hereditary cancer-predisposing syndrome. Last evaluated: 2021-09-08. Review status: criteria provided, single submitter. Criteria: Sema4 Curation Guidelines. Collection method: curation. Allele origin: germline.
Comment: The APC c.2438A>G (p.N813S) variant has been reported in individuals with colorectal cancer and pancreatic cancer (PMID: 32283892, 28726808, 28135145). It was observed in 5/30616 chromosomes of the South Asian subpopulation in the large and broad cohorts of the Genome Aggregation Database (PMID: 32461654). This variant has been reported in ClinVar (Variation ID 41499). A functional study did not reveal abnormal protein function (PMID: 15133491), and in silico predictions of the variant's effect on protein function are inconclusive. The evidence is insufficient to meet ACMG/AMP criteria for classifying the variant as benign or pathogenic. Thus, the clinical significance of this variant is currently uncertain.

Ambry Genetics
Classification: Likely benign for Hereditary cancer-predisposing syndrome. Last evaluated: 2019-02-27. Review status: criteria provided, single submitter. Criteria: Ambry Variant Classification Scheme 2023. Collection method: clinical testing. Allele origin: germline.

GeneDx
Classification: Uncertain significance. Last evaluated: 2019-01-07. Review status: criteria provided, single submitter. Criteria: GeneDx Variant Classification (06012015). Collection method: clinical testing. Allele origin: germline. Affected: yes.
Comment: This variant is denoted APC c.2438A>G at the cDNA level, p.Asn813Ser (N813S) at the protein level, and results in the change of an Asparagine to a Serine (AAT>AGT). This variant has been observed in an individual with colorectal cancer and in another with a personal and family history of pancreatic cancer (Yurgelun 2017, Chaffee 2018). Additionally, APC Asn813Ser was studied in a melanoma cell line, which displayed no increase of Axin2 expression and no increase of Wnt signaling (Worm 2004). APC Asn813Ser was observed at an allele frequency of 0.02% (5/30,782) in individuals of South Asian ancestry in large population cohorts (Lek 2016). This variant is not located in a known functional domain. In silico analysis, which includes protein predictors and evolutionary conservation, supports that this variant does not alter protein structure/function. Based on currently available evidence, it is unclear whether APC Asn813Ser is a pathogenic or benign variant. We consider it to be a variant of uncertain significance.

Biesecker Lab/Clinical Genomics Section, National Institutes of Health
Classification: Uncertain significance. Last evaluated: 2012-07-13. Review status: no assertion criteria provided. Collection method: research. Allele origin: germline. Affected: no. Observed: 1 variant allele. Study: ClinSeq. Not counted in ClinVar's aggregate classification.
ClinVar note: Converted during submission from variant of unknown significance to Uncertain significance.

Literature cited by the submitters: PubMed 15133491 (cited by 5 submitters); PubMed 27647783 (cited by Women's Health and Genetics/Laboratory Corporation of America, LabCorp); PubMed 28135145 (cited by 4 submitters); PubMed 28726808 (cited by 4 submitters); PubMed 32283892 (cited by 4 submitters); PubMed 36243179 (cited by Women's Health and Genetics/Laboratory Corporation of America, LabCorp); PubMed 21901162 (cited by Quest Diagnostics Nichols Institute San Juan Capistrano and Ambry Genetics).